The following is an entry in ClinVar:

ClinVar aggregate classification (germline): Uncertain significance (1 of 4 stars; one submission).

Submission:

Labcorp Genetics (formerly Invitae), Labcorp
Classification: Uncertain significance. Last evaluated: 2022-02-19. Review status: criteria provided, single submitter. Criteria: Invitae Variant Classification Sherloc (09022015). Collection method: clinical testing. Allele origin: germline.
Comment: A gross deletion of the genomic region encompassing the full coding sequence of the PRDX1 gene has been identified. The current clinical and genetic evidence is not sufficient to establish whether loss-of-function variants in PRDX1 cause disease. The boundaries of this event are unknown as they extend beyond the assayed region for this gene and therefore may encompass additional genes. In summary, the available evidence is currently insufficient to determine the role of this variant in disease. Therefore, it has been classified as a Variant of Uncertain Significance. This variant has not been reported in the literature in individuals affected with PRDX1-related conditions.

NC_000001.10:g.(?_45966005)_(45984715_?)del

Genes: MMACHC (metabolism of cobalamin associated C; plus strand), PRDX1 (peroxiredoxin 1; minus strand). Cytogenetic location: 1p34.1.
Variant type: Deletion.
Identifiers: ClinVar variation 2424483 (VCV002424483.4).